The following is an entry in ClinVar:

ClinVar aggregate classification (germline): Benign/Likely benign. Review status: criteria provided, multiple submitters, no conflicts (2 of 4 stars). 4 submissions from 4 submitters: Benign (1); Likely benign (3). Last evaluated 2025-10-17.

Conditions:
Tuberous sclerosis syndrome (TSC). Also called: Tuberous Sclerosis Complex; Tuberous sclerosis. Identifiers: Orphanet 805, MedGen C0041341, MONDO:0001734.
Hereditary cancer-predisposing syndrome. Also called: Neoplastic Syndromes, Hereditary; Tumor predisposition; Hereditary Cancer Syndrome; Hereditary neoplastic syndrome. Identifiers: Orphanet 140162, MedGen C0027672, MeSH D009386, MONDO:0015356.
Tuberous sclerosis 1 (TSC1). Identifiers: Orphanet 805, MedGen C1854465, MONDO:0008612, OMIM 191100.

Submissions (4):

Labcorp Genetics (formerly Invitae), Labcorp
Classification: Likely benign for Tuberous sclerosis 1. Last evaluated: 2025-10-17. Review status: criteria provided, single submitter. Criteria: Invitae Variant Classification Sherloc (09022015). Collection method: clinical testing. Allele origin: germline.

Ambry Genetics
Classification: Likely benign for Hereditary cancer-predisposing syndrome. Last evaluated: 2025-07-07. Review status: criteria provided, single submitter. Criteria: Ambry Variant Classification Scheme 2023. Collection method: clinical testing. Allele origin: germline.

Myriad Genetics, Inc.
Classification: Benign for Tuberous sclerosis 1. Last evaluated: 2025-04-08. Review status: criteria provided, single submitter. Criteria: Myriad Autosomal Dominant, Autosomal Recessive and X-Linked Classification Criteria (2023). Collection method: clinical testing. Allele origin: unknown.
Comment: This variant is considered benign. This variant is a silent/synonymous amino acid change and it is not expected to impact splicing.

All of Us Research Program, National Institutes of Health
Classification: Likely benign for Tuberous sclerosis syndrome. Last evaluated: 2024-03-24. Review status: criteria provided, single submitter. Criteria: ACMG Guidelines, 2015. Collection method: clinical testing. Allele origin: germline. Inheritance: Autosomal dominant inheritance. Observed: 1 variant allele, 1 heterozygote.
Comment: This study involves interpretation of variants in research participants for the purpose of population health screening. Participant phenotype was not available at the time of variant classification. Additional details can be found in publication PMID: 35346344, PMCID: PMC8962531

NM_000368.5(TSC1):c.303A>G (p.Pro101=)

Gene: TSC1 (TSC complex subunit 1; minus strand). Cytogenetic location: 9q34.13.
Variant type: single nucleotide variant.
Coding change: c.303A>G on transcript NM_000368.5 (MANE Select); coding-DNA position 303, A replaced by G.
Protein change: p.Pro101=; no amino-acid change (proline 101 retained).
Molecular consequence: synonymous variant. On other transcripts: 5 prime UTR variant (1), intron variant (1).
Genome position (GRCh38, 1-based): chr9:132,925,647, T>C on the plus strand (A>G on the coding strand, the complement: TSC1 is on the minus strand). VCF-style: chr9-132925647-T-C. GRCh37 (hg19) VCF-style: chr9-135801034-T-C.
Other names: c.303A>G, p.Pro101= (NM_001162426.2); c.-61A>G (NM_001362177.2); c.210+1554A>G (NM_001162427.2); c.303A>G (NM_000368.4).
Identifiers: ClinVar variation 1125680 (VCV001125680.12), dbSNP rs2132233153, ClinGen allele CA467594164.